The following is an entry in ClinVar:

ClinVar aggregate classification (germline): Uncertain significance (1 of 4 stars; one submission).

Allele frequency attached by ClinVar (database versions not stated): gnomAD exomes below 0.00001.
gnomAD v4.1: 6 of 1,614,216 alleles (0.00037%); highest among the groups gnomAD compares: South Asian, 0.0044%; no homozygotes.

Submission:

Labcorp Genetics (formerly Invitae), Labcorp
Classification: Uncertain significance. Last evaluated: 2024-10-21. Review status: criteria provided, single submitter. Criteria: Invitae Variant Classification Sherloc (09022015). Collection method: clinical testing. Allele origin: germline.
Comment: This sequence change replaces alanine, which is neutral and non-polar, with threonine, which is neutral and polar, at codon 122 of the COL7A1 protein (p.Ala122Thr). This variant is present in population databases (no rsID available, gnomAD no frequency). This variant has not been reported in the literature in individuals affected with COL7A1-related conditions. ClinVar contains an entry for this variant (Variation ID: 1483472). Invitae Evidence Modeling of protein sequence and biophysical properties (such as structural, functional, and spatial information, amino acid conservation, physicochemical variation, residue mobility, and thermodynamic stability) has been performed for this missense variant. However, the output from this modeling did not meet the statistical confidence thresholds required to predict the impact of this variant on COL7A1 protein function. In summary, the available evidence is currently insufficient to determine the role of this variant in disease. Therefore, it has been classified as a Variant of Uncertain Significance.

NM_000094.4(COL7A1):c.364G>A (p.Ala122Thr)

Gene: COL7A1 (collagen type VII alpha 1 chain; minus strand). Cytogenetic location: 3p21.31.
Variant type: single nucleotide variant.
Coding change: c.364G>A on transcript NM_000094.4 (MANE Select); coding-DNA position 364, G replaced by A.
Protein change: p.Ala122Thr; replaces alanine 122 with threonine.
Molecular consequence: missense variant.
Genome position (GRCh38, 1-based): chr3:48,593,599, C>T on the plus strand (G>A on the coding strand, the complement: COL7A1 is on the minus strand). VCF-style: chr3-48593599-C-T. GRCh37 (hg19) VCF-style: chr3-48631032-C-T.
Other names: short protein forms A122T.
Identifiers: ClinVar variation 1483472 (VCV001483472.7), dbSNP rs1209617628, ClinGen allele CA352748273.
Genomic context (GRCh38, chr3:48,593,599, plus strand): 5'-TGGGGACACCAGGTCGGGCCAGCTGGGGCAGGAAGACATGGTCAGCCACATGGAGAATTG[C>T]AGCCCCTGTGCGAGTGTTGCCCCCCTTGTAGCTAAGCTCACGGATGGCGCGGATCACATC-3'
Protein context (NP_000085.1, residues 112-132): YKGGNTRTGA[Ala122Thr]ILHVADHVFL